The following is an entry in ClinVar:

NM_001184880.2(PCDH19):c.2319G>T (p.Lys773Asn)

Genes: PCDH19 (protocadherin 19; minus strand), LOC125467768 (CDK7 strongly-dependent group 2 enhancer GRCh37_chrX:99657381-99658580; plus strand). Cytogenetic location: Xq22.1.
Variant type: single nucleotide variant.
Coding change: c.2319G>T on transcript NM_001184880.2 (MANE Select); coding-DNA position 2319, G replaced by T.
Protein change: p.Lys773Asn; replaces lysine 773 with asparagine.
Molecular consequence: missense variant.
Genome position (GRCh38, 1-based): chrX:100,402,821, C>A on the plus strand (G>T on the coding strand, the complement: PCDH19 is on the minus strand). VCF-style: chrX-100402821-C-A. GRCh37 (hg19) VCF-style: chrX-99657819-C-A.
Other names: p.K726N:AAG>AAT; c.2178G>T, p.Lys726Asn (NM_001105243.2, NM_020766.3); short protein forms K726N, K773N.
Identifiers: ClinVar variation 206345 (VCV000206345.16), dbSNP rs765066118, ClinGen allele CA316387.

ClinVar aggregate classification (germline): Conflicting classifications of pathogenicity. Review status: criteria provided, conflicting classifications (1 of 4 stars). 3 submissions from 3 submitters: Uncertain significance (1); Likely benign (2). Last evaluated 2026-01-01.

Conditions:
Developmental and epileptic encephalopathy, 9 (DEE9). Also called: EPILEPSY, FEMALE-RESTRICTED, WITH MENTAL RETARDATION; PCDH19-Related X-Linked Female-Limited Epilepsy with Mental Retardation; Early infantile epileptic encephalopathy 9; JUBERG-HELLMAN SYNDROME. Identifiers: Orphanet 101039, Orphanet 2076, MedGen C1848137, MONDO:0010246, OMIM 300088. Disease mechanism: loss of function.

Allele frequency attached by ClinVar (database versions not stated): gnomAD below 0.00001 and 0.00002; gnomAD exomes 0.00004 and 0.00006; ExAC 0.00011; 1000 Genomes Project 30x 0.00021; 1000 Genomes Project 0.00026.
gnomAD v4.1: 49 of 1,208,263 alleles (0.0041%); highest among the groups gnomAD compares: South Asian, 0.069%; no homozygotes.

Submissions (3):

CeGaT Center for Human Genetics Tuebingen
Classification: Likely benign. Last evaluated: 2026-01-01. Review status: criteria provided, single submitter. Criteria: CeGaT Center For Human Genetics Tuebingen Variant Classification Criteria Version 2. Collection method: clinical testing. Allele origin: germline. Affected: yes. Observed: 2 variant alleles.
Comment: PCDH19: BS2

Labcorp Genetics (formerly Invitae), Labcorp
Classification: Likely benign for Developmental and epileptic encephalopathy, 9. Last evaluated: 2025-04-19. Review status: criteria provided, single submitter. Criteria: Invitae Variant Classification Sherloc (09022015). Collection method: clinical testing. Allele origin: germline.

GeneDx
Classification: Uncertain significance. Last evaluated: 2012-11-05. Review status: criteria provided, single submitter. Criteria: GeneDx Variant Classification (06012015). Collection method: clinical testing. Allele origin: germline. Affected: yes.
Comment: This variant is denoted p.Lys726Asn (AAG>AAT):c.2178 G>T in exon 2 of the PCDH19 gene (NM_001105243.1). The Lys726Asn missense change has not been published as a mutation, nor has it been reported as a benign polymorphism to our knowledge. The NHLBI ESP Exome Variant Project has not identified Lys726Asn in approximately 6,500 individuals of European or African American ethnicity, indicating that it is not a common benign variant in these populations. The amino acid substitution is non-conservative, as a positively charged Lysine residue is replaced by an uncharged Asparagine residue. Lys726Asn alters a highly conserved position in the C-terminal region of the protein, and multiple in silico algorithms predict it may be damaging to protein structure/function. However, missense mutations have not been previously reported in this region of the protein. Therefore, based on the currently available information, it is unclear whether Lys726Asn is a disease-causing mutation or a rare benign variant. The variant is found in INFANT-EPI panel(s).